The following is an entry in ClinVar:

ClinVar aggregate classification (germline): Likely benign. Review status: criteria provided, multiple submitters, no conflicts (2 of 4 stars). 2 submissions from 2 submitters: Likely benign (2). Last evaluated 2026-07-01.

Conditions:
INSR-related disorder.

gnomAD v4.1: 63 of 1,614,024 alleles (0.0039%); highest among the groups gnomAD compares: Admixed American, 0.01%; no homozygotes.

Submissions (2):

CeGaT Center for Human Genetics Tuebingen
Classification: Likely benign. Last evaluated: 2026-07-01. Review status: criteria provided, single submitter. Criteria: CeGaT Center For Human Genetics Tuebingen Variant Classification Criteria Version 2. Collection method: clinical testing. Allele origin: germline. Affected: yes. Observed: 1 variant allele.
Comment: INSR: BP4, BP7

PreventionGenetics, part of Exact Sciences
Classification: Likely benign for INSR-related condition. Last evaluated: 2024-12-06. Review status: criteria provided, single submitter. Criteria: ACMG Guidelines, 2015. Collection method: clinical testing. Allele origin: germline.
Comment: This variant is classified as likely benign based on ACMG/AMP sequence variant interpretation guidelines (Richards et al. 2015 PMID: 25741868, with internal and published modifications).

NM_000208.4(INSR):c.1731G>A (p.Gly577=)

Gene: INSR (insulin receptor; minus strand). Cytogenetic location: 19p13.2.
Variant type: single nucleotide variant.
Coding change: c.1731G>A on transcript NM_000208.4 (MANE Select); coding-DNA position 1731, G replaced by A.
Protein change: p.Gly577=; no amino-acid change (glycine 577 retained).
Molecular consequence: synonymous variant.
Genome position (GRCh38, 1-based): chr19:7,166,284, C>T on the plus strand (G>A on the coding strand, the complement: INSR is on the minus strand). VCF-style: chr19-7166284-C-T. GRCh37 (hg19) VCF-style: chr19-7166295-C-T.
Other names: c.1731G>A, p.Gly577= (NM_001079817.3).
Identifiers: ClinVar variation 4981656 (VCV004981656.2).
Genomic context (GRCh38, chr19:7,166,284, plus strand): 5'-GACCAGGGTCTTCACAAAGATGGCATACTGGGTCCAGGGCTTGAGACCCCGCATCAGCCA[C>T]CCTGGGTGGTTCTGTGATTTGGGGTCGTTGGACCTCAGGGGTGGGTCAATGTCTACCACC-3'
Protein context (NP_000199.2, residues 567-587): SNDPKSQNHP[Gly577=]WLMRGLKPWT